The following is an entry in ClinVar:

NM_004100.5(EYA4):c.370+16C>T

Gene: EYA4 (EYA transcriptional coactivator and phosphatase 4; plus strand). Cytogenetic location: 6q23.2.
Variant type: single nucleotide variant.
Coding change: c.370+16C>T on transcript NM_004100.5 (MANE Select); 16 bases into the intron after coding-DNA position 370, C replaced by T.
Molecular consequence: intron variant.
Genome position (GRCh38, 1-based): chr6:133,456,664, C>T. VCF-style: chr6-133456664-C-T. GRCh37 (hg19) VCF-style: chr6-133777802-C-T.
Other names: c.370+16C>T (NM_001301013.2, NM_172105.4); c.301+16C>T (NM_001370458.1, NM_172103.4); c.209-4450C>T (NM_001370459.1, NM_001301012.2).
Identifiers: ClinVar variation 1192223 (VCV001192223.10), dbSNP rs376239950, ClinGen allele CA4008021.

ClinVar aggregate classification (germline): Benign/Likely benign. Review status: criteria provided, multiple submitters, no conflicts (2 of 4 stars). 3 submissions from 3 submitters: Benign (1); Likely benign (2). Last evaluated 2026-01-27.

Conditions:
Autosomal dominant nonsyndromic hearing loss 10. Identifiers: Orphanet 90635, MedGen C1832476, MONDO:0011031, OMIM 601316.
Dilated cardiomyopathy 1J (CMD1J). Also called: CARDIOMYOPATHY, DILATED, WITH SENSORINEURAL HEARING LOSS, AUTOSOMAL DOMINANT. Identifiers: Orphanet 217622, MedGen C1854368, MONDO:0011541, OMIM 605362.

Allele frequency attached by ClinVar (database versions not stated): gnomAD 0.00002; ExAC 0.00006; TOPMed 0.00006; gnomAD exomes 0.00007; ESP Exome Variant Server 0.00008.
gnomAD v4.1: 192 of 1,545,596 alleles (0.012%); highest among the groups gnomAD compares: Non-Finnish European, 0.016%; no homozygotes.

Submissions (3):

Labcorp Genetics (formerly Invitae), Labcorp
Classification: Likely benign for Dilated cardiomyopathy 1J. Last evaluated: 2026-01-27. Review status: criteria provided, single submitter. Criteria: Invitae Variant Classification Sherloc (09022015). Collection method: clinical testing. Allele origin: germline.

Fulgent Genetics
Classification: Likely benign for Autosomal dominant nonsyndromic hearing loss 10; Dilated cardiomyopathy 1J. Last evaluated: 2021-08-10. Review status: criteria provided, single submitter. Criteria: ACMG Guidelines, 2015. Collection method: clinical testing. Allele origin: unknown.

Women's Health and Genetics/Laboratory Corporation of America, LabCorp
Classification: Benign. Last evaluated: 2021-07-19. Review status: criteria provided, single submitter. Criteria: LabCorp Variant Classification Summary - May 2015. Collection method: clinical testing. Allele origin: germline.
Comment: Variant summary: EYA4 c.370+16C>T alters a non-conserved nucleotide located close to a canonical splice site and therefore could affect mRNA splicing, leading to a significantly altered protein sequence. 4/4 computational tools predict no significant impact on normal splicing. However, these predictions have yet to be confirmed by functional studies. The variant allele was found at a frequency of 6.8e-05 in 251016 control chromosomes, predominantly at a frequency of 0.00014 within the Non-Finnish European subpopulation in the gnomAD database. The observed variant frequency within Non-Finnish European control individuals in the gnomAD database is approximately 9 fold of the estimated maximal expected allele frequency for a pathogenic variant in EYA4 causing Dilated Cardiomyopathy phenotype (1.6e-05), strongly suggesting that the variant is a benign polymorphism found primarily in populations of Non-Finnish European origin. To our knowledge, no occurrence of c.370+16C>T in individuals affected with Dilated Cardiomyopathy and no experimental evidence demonstrating its impact on protein function have been reported. No clinical diagnostic laboratories have submitted clinical-significance assessments for this variant to ClinVar after 2014. Based on the evidence outlined above, the variant was classified as benign.